The following is an entry in ClinVar:

NM_003872.3(NRP2):c.409C>G (p.Leu137Val)

Gene: NRP2 (neuropilin 2; plus strand). Cytogenetic location: 2q33.3.
Variant type: single nucleotide variant.
Coding change: c.409C>G on transcript NM_003872.3 (MANE Select); coding-DNA position 409, C replaced by G.
Protein change: p.Leu137Val; replaces leucine 137 with valine.
Molecular consequence: missense variant.
Genome position (GRCh38, 1-based): chr2:205,716,350, C>G. VCF-style: chr2-205716350-C-G. GRCh37 (hg19) VCF-style: chr2-206581074-C-G.
Other names: c.409C>G, p.Leu137Val (NM_018534.4, NM_201264.2, NM_201266.2 and 2 more transcripts); short protein forms L137V.
Identifiers: ClinVar variation 4992744 (VCV004992744.1).

ClinVar aggregate classification (germline): Uncertain significance (1 of 4 stars; one submission).

Conditions:
NRP2-related disorder. Also called: NRP2-related condition.

Submission:

PreventionGenetics, part of Exact Sciences
Classification: Uncertain significance for NRP2-related condition. Last evaluated: 2026-05-31. Review status: criteria provided, single submitter. Criteria: ACMG Guidelines, 2015. Collection method: clinical testing. Allele origin: germline.
Comment: The NRP2 c.409C>G variant is predicted to result in the amino acid substitution p.Leu137Val. To our knowledge, this variant has not been reported in the literature or in a large population database (gnomAD), indicating this variant is rare. At this time, the clinical significance of this variant is uncertain due to the absence of conclusive functional and genetic evidence.